The following is an entry in ClinVar:

NM_002069.6(GNAI1):c.788C>T (p.Ser263Phe)

Gene: GNAI1 (G protein subunit alpha i1; plus strand). Cytogenetic location: 7q21.11.
Variant type: single nucleotide variant.
Coding change: c.788C>T on transcript NM_002069.6 (MANE Select); coding-DNA position 788, C replaced by T.
Protein change: p.Ser263Phe; replaces serine 263 with phenylalanine.
Molecular consequence: missense variant.
Genome position (GRCh38, 1-based): chr7:80,212,783, C>T. VCF-style: chr7-80212783-C-T. GRCh37 (hg19) VCF-style: chr7-79842099-C-T.
Other names: c.632C>T, p.Ser211Phe (NM_001256414.2); short protein forms S211F, S263F.
Identifiers: ClinVar variation 2501367 (VCV002501367.1), dbSNP rs2484460404, ClinGen allele CA368013022.

ClinVar aggregate classification (germline): Uncertain significance (1 of 4 stars; one submission).

Submission:

GeneDx
Classification: Uncertain significance. Last evaluated: 2022-11-07. Review status: criteria provided, single submitter. Criteria: GeneDx Variant Classification Process June 2021. Collection method: clinical testing. Allele origin: germline. Affected: yes.
Comment: Not observed at significant frequency in large population cohorts (gnomAD); In silico analysis supports that this missense variant has a deleterious effect on protein structure/function; Has not been previously published as pathogenic or benign to our knowledge